The following is an entry in ClinVar:

ClinVar aggregate classification (germline): Uncertain significance (1 of 4 stars; one submission).

Submission:

Ambry Genetics
Classification: Uncertain significance. Last evaluated: 2023-07-05. Review status: criteria provided, single submitter. Criteria: Ambry Variant Classification Scheme 2023. Collection method: clinical testing. Allele origin: germline.
Comment: The p.Q550K variant (also known as c.1648C>A), located in coding exon 1 of the MLH3 gene, results from a C to A substitution at nucleotide position 1648. The glutamine at codon 550 is replaced by lysine, an amino acid with similar properties. This amino acid position is conserved. In addition, this alteration is predicted to be tolerated by in silico analysis. Since supporting evidence is limited at this time, the clinical significance of this alteration remains unclear.

NM_001040108.2(MLH3):c.1648C>A (p.Gln550Lys)

Gene: MLH3 (mutL homolog 3; minus strand). Cytogenetic location: 14q24.3.
Variant type: single nucleotide variant.
Coding change: c.1648C>A on transcript NM_001040108.2 (MANE Select); coding-DNA position 1648, C replaced by A.
Protein change: p.Gln550Lys; replaces glutamine 550 with lysine.
Molecular consequence: missense variant.
Genome position (GRCh38, 1-based): chr14:75,048,008, G>T on the plus strand (C>A on the coding strand, the complement: MLH3 is on the minus strand). VCF-style: chr14-75048008-G-T. GRCh37 (hg19) VCF-style: chr14-75514711-G-T.
Other names: c.1648C>A, p.Gln550Lys (NM_014381.3); short protein forms Q550K.
Identifiers: ClinVar variation 2625644 (VCV002625644.2), dbSNP rs2503290466, ClinGen allele CA390444719.